The following is an entry in ClinVar:

NM_000827.4(GRIA1):c.992G>A (p.Trp331Ter)

Gene: GRIA1 (glutamate ionotropic receptor AMPA type subunit 1; plus strand). Cytogenetic location: 5q33.2.
Variant type: single nucleotide variant.
Coding change: c.992G>A on transcript NM_000827.4 (MANE Select); coding-DNA position 992, G replaced by A.
Protein change: p.Trp331Ter; replaces tryptophan 331 with a stop codon.
Molecular consequence: nonsense. On other transcripts: non-coding transcript variant (2), intron variant (1).
Genome position (GRCh38, 1-based): chr5:153,677,124, G>A. VCF-style: chr5-153677124-G-A. GRCh37 (hg19) VCF-style: chr5-153056684-G-A.
Other names: c.992G>A, p.Trp331Ter (NM_001114183.2); c.752G>A, p.Trp251Ter (NM_001258019.2); c.707G>A, p.Trp236Ter (NM_001258020.2); c.1022G>A, p.Trp341Ter (NM_001258021.2, NM_001258022.2); c.785G>A, p.Trp262Ter (NM_001258023.1, NM_001364167.2); c.1019G>A, p.Trp340Ter (NM_001364166.2); c.861+2463G>A (NM_001364165.2); short protein forms W236*, W251*, W262*, W331*, W340*, W341*.
Identifiers: ClinVar variation 3255158 (VCV003255158.1), dbSNP rs2480254444.

ClinVar aggregate classification (germline): Uncertain significance (1 of 4 stars; one submission).

Conditions:
Intellectual developmental disorder, autosomal dominant 67 (MRD67). Also called: MENTAL RETARDATION, AUTOSOMAL DOMINANT 67. Identifiers: MedGen C5677006, MONDO:0030964, OMIM 619927.

Submission:

Victorian Clinical Genetics Services, Murdoch Childrens Research Institute
Classification: Uncertain significance for Intellectual developmental disorder, autosomal dominant 67. Last evaluated: 2023-07-17. Review status: criteria provided, single submitter. Criteria: ACMG Guidelines, 2015. Collection method: clinical testing. Allele origin: germline. Inheritance: Autosomal dominant inheritance. Affected: yes.
Comment: Based on the classification scheme VCGS_Germline_v1.3.4, this variant is classified as VUS-3A. Following criteria are met: 0105 - The mechanism of disease for this gene is not clearly established. Functional studies using Xenopus oocytes and patch clamp have demonstrated gain of function for a single missense variant, and loss of function for other missense variants and a nonsense variant. However, dominant negative has not been excluded as a mechanism (PMID: 28628100, PMID: 35675825). (I) 0107 - This gene is associated with autosomal dominant disease. However, there is a single report of recessive disease (PMID: 35675825). (I) 0201 - Variant is predicted to cause nonsense-mediated decay (NMD) and loss of protein (premature termination codon is located at least 54 nucleotides upstream of the final exon-exon junction). (SP) 0251 - This variant is heterozygous. (I) 0301 - Variant is absent from gnomAD (both v2 and v3). (SP) 0704 - Another NMD-predicted variant comparable to the one identified in this case has limited previous evidence for pathogenicity. This variant has been reported in a single homozygous individual with a neurodevelopmental disorder (PMID: 35675825). (SP) 0807 - This variant has no previous evidence of pathogenicity. (I) 0905 - No published segregation evidence has been identified for this variant. (I) 1007 - No published functional evidence has been identified for this variant. (I) Legend: (SP) - Supporting pathogenic, (I) - Information, (SB) - Supporting benign

Literature cited by the submitters: PubMed 28628100; PubMed 35675825.